The following is an entry in ClinVar:

NM_000426.4(LAMA2):c.4368T>A (p.Tyr1456Ter)

Gene: LAMA2 (laminin subunit alpha 2; plus strand). Cytogenetic location: 6q22.33.
Variant type: single nucleotide variant.
Coding change: c.4368T>A on transcript NM_000426.4 (MANE Select); coding-DNA position 4368, T replaced by A.
Protein change: p.Tyr1456Ter; replaces tyrosine 1456 with a stop codon.
Molecular consequence: nonsense.
Genome position (GRCh38, 1-based): chr6:129,342,399, T>A. VCF-style: chr6-129342399-T-A. GRCh37 (hg19) VCF-style: chr6-129663544-T-A.
Other names: c.4368T>A, p.Tyr1456Ter (NM_001079823.2); short protein forms Y1456*.
Identifiers: ClinVar variation 1069078 (VCV001069078.8), dbSNP rs758048573, ClinGen allele CA365615304.

ClinVar aggregate classification (germline): Pathogenic (1 of 4 stars; one submission).

Conditions:
LAMA2-related muscular dystrophy (LAMA2-RD). Also called: Laminin alpha 2-related dystrophy. Identifiers: MedGen C5679788, MONDO:0100228.

Submission:

Labcorp Genetics (formerly Invitae), Labcorp
Classification: Pathogenic for LAMA2-related muscular dystrophy. Last evaluated: 2020-01-30. Review status: criteria provided, single submitter. Criteria: Invitae Variant Classification Sherloc (09022015). Collection method: clinical testing. Allele origin: germline.
Comment: For these reasons, this variant has been classified as Pathogenic. Loss-of-function variants in LAMA2 are known to be pathogenic (PMID: 18700894). Algorithms developed to predict the effect of sequence changes on RNA splicing suggest that this variant may create or strengthen a splice site, but this prediction has not been confirmed by published transcriptional studies. This variant has not been reported in the literature in individuals with LAMA2-related conditions. This variant is not present in population databases (ExAC no frequency). This sequence change creates a premature translational stop signal (p.Tyr1456*) in the LAMA2 gene. It is expected to result in an absent or disrupted protein product.

Literature cited by the submitters: PubMed 18700894.